The following is an entry in ClinVar:

NM_020843.4(SCAPER):c.3016A>C (p.Ser1006Arg)

Gene: SCAPER (S-phase cyclin A associated protein in the ER; minus strand). Cytogenetic location: 15q24.3.
Variant type: single nucleotide variant.
Coding change: c.3016A>C on transcript NM_020843.4 (MANE Select); coding-DNA position 3016, A replaced by C.
Protein change: p.Ser1006Arg; replaces serine 1006 with arginine.
Molecular consequence: missense variant. On other transcripts: non-coding transcript variant (1).
Genome position (GRCh38, 1-based): chr15:76,471,274, T>G on the plus strand (A>C on the coding strand, the complement: SCAPER is on the minus strand). VCF-style: chr15-76471274-T-G. GRCh37 (hg19) VCF-style: chr15-76763615-T-G.
Other names: c.2278A>C, p.Ser760Arg (NM_001145923.2); c.3034A>C, p.Ser1012Arg (NM_001353009.2); c.2614A>C, p.Ser872Arg (NM_001353010.2, NM_001353012.2); c.2632A>C, p.Ser878Arg (NM_001353011.2); short protein forms S1012R, S760R, S1006R, S872R, S878R.
Identifiers: ClinVar variation 4988342 (VCV004988342.1).

ClinVar aggregate classification (germline): Uncertain significance (1 of 4 stars; one submission).

Conditions:
SCAPER-related disorder. Also called: SCAPER-related condition.

gnomAD v4.1: 4 of 1,612,586 alleles (0.00025%); highest among the groups gnomAD compares: African/African-American, 0.0027%; no homozygotes.

Submission:

PreventionGenetics, part of Exact Sciences
Classification: Uncertain significance for SCAPER-related condition. Last evaluated: 2025-07-29. Review status: criteria provided, single submitter. Criteria: ACMG Guidelines, 2015. Collection method: clinical testing. Allele origin: germline.
Comment: The SCAPER c.3034A>C variant is predicted to result in the amino acid substitution p.Ser1012Arg. To our knowledge, this variant has not been reported in the literature or in a large population database (gnomAD), indicating this variant is rare. At this time, the clinical significance of this variant is uncertain due to the absence of conclusive functional and genetic evidence.